The following is an entry in ClinVar:

NM_025081.3(NYNRIN):c.2962A>T (p.Asn988Tyr)

Gene: NYNRIN (NYN domain and retroviral integrase containing; plus strand). Cytogenetic location: 14q12.
Variant type: single nucleotide variant.
Coding change: c.2962A>T on transcript NM_025081.3 (MANE Select); coding-DNA position 2962, A replaced by T.
Protein change: p.Asn988Tyr; replaces asparagine 988 with tyrosine.
Molecular consequence: missense variant.
Genome position (GRCh38, 1-based): chr14:24,414,711, A>T. VCF-style: chr14-24414711-A-T. GRCh37 (hg19) VCF-style: chr14-24883917-A-T.
Other names: short protein forms N988Y.
Identifiers: ClinVar variation 3721505 (VCV003721505.2).

ClinVar aggregate classification (germline): Uncertain significance (1 of 4 stars; one submission).

Submission:

Labcorp Genetics (formerly Invitae), Labcorp
Classification: Uncertain significance. Last evaluated: 2024-09-25. Review status: criteria provided, single submitter. Criteria: Invitae Variant Classification Sherloc (09022015). Collection method: clinical testing. Allele origin: germline.
Comment: This sequence change replaces asparagine, which is neutral and polar, with tyrosine, which is neutral and polar, at codon 988 of the NYNRIN protein (p.Asn988Tyr). This variant is not present in population databases (gnomAD no frequency). This variant has not been reported in the literature in individuals affected with NYNRIN-related conditions. Experimental studies and prediction algorithms are not available or were not evaluated, and the functional significance of this variant is currently unknown. In summary, the available evidence is currently insufficient to determine the role of this variant in disease. Therefore, it has been classified as a Variant of Uncertain Significance.